The following is an entry in ClinVar:

NM_000091.5(COL4A3):c.247C>A (p.Leu83Ile)

Genes: COL4A3 (collagen type IV alpha 3 chain; plus strand), MFF-DT (MFF divergent transcript; minus strand). Cytogenetic location: 2q36.3.
Variant type: single nucleotide variant.
Coding change: c.247C>A on transcript NM_000091.5 (MANE Select); coding-DNA position 247, C replaced by A.
Protein change: p.Leu83Ile; replaces leucine 83 with isoleucine.
Molecular consequence: missense variant.
Genome position (GRCh38, 1-based): chr2:227,244,332, C>A. VCF-style: chr2-227244332-C-A. GRCh37 (hg19) VCF-style: chr2-228109048-C-A.
Other names: short protein forms L83I.
Identifiers: ClinVar variation 3730034 (VCV003730034.1).

ClinVar aggregate classification (germline): Uncertain significance (1 of 4 stars; one submission).

gnomAD v4.1: 5 of 1,613,932 alleles (0.00031%); highest among the groups gnomAD compares: East Asian, 0.011%; no homozygotes.

Submission:

Labcorp Genetics (formerly Invitae), Labcorp
Classification: Uncertain significance. Last evaluated: 2024-05-28. Review status: criteria provided, single submitter. Criteria: Invitae Variant Classification Sherloc (09022015). Collection method: clinical testing. Allele origin: germline.
Comment: This sequence change replaces leucine, which is neutral and non-polar, with isoleucine, which is neutral and non-polar, at codon 83 of the COL4A3 protein (p.Leu83Ile). This variant is present in population databases (rs372621387, gnomAD 0.02%). This variant has not been reported in the literature in individuals affected with COL4A3-related conditions. Advanced modeling of protein sequence and biophysical properties (such as structural, functional, and spatial information, amino acid conservation, physicochemical variation, residue mobility, and thermodynamic stability) performed at Invitae indicates that this missense variant is not expected to disrupt COL4A3 protein function with a negative predictive value of 95%. In summary, the available evidence is currently insufficient to determine the role of this variant in disease. Therefore, it has been classified as a Variant of Uncertain Significance.